The following is an entry in ClinVar:

NM_017777.4(MKS1):c.633del (p.Tyr213fs)

Gene: MKS1 (MKS transition zone complex subunit 1; minus strand). Cytogenetic location: 17q22.
Variant type: Deletion.
Coding change: c.633del on transcript NM_017777.4 (MANE Select); coding-DNA position 633, one base deleted (G; older notation c.633delG).
Protein change: p.Tyr213fs; shifts the reading frame from tyrosine 213.
Molecular consequence: frameshift variant.
Genome position (GRCh38, 1-based): chr17:58,214,270, C deleted on the plus strand (G on the coding strand, the reverse complement: MKS1 is on the minus strand); the first of 4 consecutive C bases (chr17:58,214,270-58,214,273); deleting any one gives the same sequence. VCF-style (leftmost placement, unchanged base first): chr17-58214269-GC-G. GRCh37 (hg19) VCF-style: chr17-56291630-GC-G.
Other names: c.24del, p.Tyr10fs (NM_001321268.2); c.633del, p.Tyr213fs (NM_001321269.2, NM_001330397.2, NM_001411113.1); short protein forms Y213fs, Y10fs.
Identifiers: ClinVar variation 2930403 (VCV002930403.4), dbSNP rs1567803107, ClinGen allele CA626730374.

ClinVar aggregate classification (germline): Pathogenic/Likely pathogenic. Review status: criteria provided, multiple submitters, no conflicts (2 of 4 stars). 2 submissions from 2 submitters: Pathogenic (1); Likely pathogenic (1). Last evaluated 2024-03-20.

Conditions:
Joubert syndrome. Also called: CEREBELLOPARENCHYMAL DISORDER IV; JOUBERT-BOLTSHAUSER SYNDROME; Familial aplasia of the vermis. Identifiers: Orphanet 475, MedGen C5979921, MONDO:0018772.
Meckel-Gruber syndrome. Also called: DYSENCEPHALIA SPLANCHNOCYSTICA; GRUBER SYNDROME; Dysencephalia splachnocystica. Identifiers: Orphanet 564, MedGen C0265215, MONDO:0018921.
Bardet-Biedl syndrome 13 (BBS13). Identifiers: Orphanet 110, MedGen C2673873, MONDO:0014441, OMIM 615990.

Submissions (2):

Baylor Genetics
Classification: Likely pathogenic for Bardet-Biedl syndrome 13. Last evaluated: 2024-03-20. Review status: criteria provided, single submitter. Criteria: ACMG Guidelines, 2015. Collection method: clinical testing. Allele origin: unknown.

Labcorp Genetics (formerly Invitae), Labcorp
Classification: Pathogenic for Joubert syndrome; Meckel-Gruber syndrome. Last evaluated: 2023-04-07. Review status: criteria provided, single submitter. Criteria: Invitae Variant Classification Sherloc (09022015). Collection method: clinical testing. Allele origin: germline.
Comment: For these reasons, this variant has been classified as Pathogenic. This variant has not been reported in the literature in individuals affected with MKS1-related conditions. This variant is present in population databases (no rsID available, gnomAD 0.0009%). This sequence change creates a premature translational stop signal (p.Tyr213Ilefs*16) in the MKS1 gene. It is expected to result in an absent or disrupted protein product. Loss-of-function variants in MKS1 are known to be pathogenic (PMID: 19466712, 24886560, 26490104).

Literature cited by the submitters: PubMed 19466712 (cited by Labcorp Genetics (formerly Invitae), Labcorp); PubMed 24886560 (cited by Labcorp Genetics (formerly Invitae), Labcorp); PubMed 26490104 (cited by Labcorp Genetics (formerly Invitae), Labcorp).